The following is an entry in ClinVar:

NM_014363.6(SACS):c.909delinsGGACG (p.Thr305fs)

Gene: SACS (sacsin molecular chaperone; minus strand). Cytogenetic location: 13q12.12.
Variant type: Indel.
Coding change: c.909delinsGGACG on transcript NM_014363.6 (MANE Select); coding-DNA position 909, A replaced by GGACG.
Protein change: p.Thr305fs; shifts the reading frame from threonine 305.
Molecular consequence: frameshift variant.
Genome position (GRCh38, 1-based): chr13:23,355,703, T replaced by CGTCC on the plus strand (A replaced by GGACG on the coding strand, the reverse complement: SACS is on the minus strand). VCF-style: chr13-23355703-T-CGTCC. GRCh37 (hg19) VCF-style: chr13-23929842-T-CGTCC.
Other names: c.468delinsGGACG, p.Thr158fs (NM_001278055.2); c.909delinsGGACG, p.Thr305fs (NM_001437336.1); short protein forms T158fs, T305fs.
Identifiers: ClinVar variation 5013569 (VCV005013569.1).

ClinVar aggregate classification (germline): Pathogenic (1 of 4 stars; one submission).

Conditions:
Charlevoix-Saguenay spastic ataxia (SACS). Also called: AUTOSOMAL RECESSIVE SPASTIC ATAXIA OF CHARLEVOIX-SAGUENAY; Spastic ataxia of Charlevoix-Saguenay; SPASTIC ATAXIA 6, AUTOSOMAL RECESSIVE. Identifiers: Orphanet 98, MedGen C1849140, MONDO:0010041, OMIM 270550.

Submission:

Myriad Genetics, Inc.
Classification: Pathogenic for Charlevoix-Saguenay spastic ataxia. Last evaluated: 2024-09-19. Review status: criteria provided, single submitter. Criteria: Myriad Autosomal Dominant, Autosomal Recessive and X-Linked Classification Criteria (2023). Collection method: clinical testing. Allele origin: unknown.
Comment: NM_014363.4(SACS):c.909del1ins5(T305Gfs*21) is expected to be pathogenic in the context of autosomal recessive spastic ataxia of Charlevoix-Saguenay. This variant is predicted to lead to an abnormal or absent protein product due to the creation of a premature termination codon in SACS, a gene where loss-of-function variants are known to be pathogenic. Please note: this variant was assessed in the context of healthy population screening.